The following is an entry in ClinVar:

ClinVar aggregate classification (germline): Uncertain significance (1 of 4 stars; one submission).

Conditions:
Inborn genetic diseases. Identifiers: MedGen C0950123, MeSH D030342.

Submission:

Ambry Genetics
Classification: Uncertain significance for Inborn genetic diseases. Last evaluated: 2024-03-07. Review status: criteria provided, single submitter. Criteria: Ambry Variant Classification Scheme 2023. Collection method: clinical testing. Allele origin: germline.
Comment: The p.F217V variant (also known as c.649T>G), located in coding exon 6 of the BUB1B gene, results from a T to G substitution at nucleotide position 649. The phenylalanine at codon 217 is replaced by valine, an amino acid with highly similar properties. This amino acid position is conserved. In addition, this alteration is predicted to be tolerated by in silico analysis. Based on the available evidence, the clinical significance of this alteration remains unclear.

NM_001211.6(BUB1B):c.649T>G (p.Phe217Val)

Gene: BUB1B (BUB1 mitotic checkpoint serine/threonine kinase B; plus strand). Cytogenetic location: 15q15.1.
Variant type: single nucleotide variant.
Coding change: c.649T>G on transcript NM_001211.6 (MANE Select); coding-DNA position 649, T replaced by G.
Protein change: p.Phe217Val; replaces phenylalanine 217 with valine.
Molecular consequence: missense variant.
Genome position (GRCh38, 1-based): chr15:40,183,781, T>G. VCF-style: chr15-40183781-T-G. GRCh37 (hg19) VCF-style: chr15-40475982-T-G.
Other names: short protein forms F217V.
Identifiers: ClinVar variation 3221438 (VCV003221438.1), dbSNP rs866449781, ClinGen allele CA391683320.